The following is an entry in ClinVar:

ClinVar aggregate classification (germline): Uncertain significance. Review status: criteria provided, multiple submitters, no conflicts (2 of 4 stars). 2 submissions from 2 submitters: Uncertain significance (2). Last evaluated 2022-02-01.

Allele frequency attached by ClinVar (database versions not stated): TOPMed below 0.00001; gnomAD exomes 0.00002.

Submissions (2):

Labcorp Genetics (formerly Invitae), Labcorp
Classification: Uncertain significance. Last evaluated: 2022-02-01. Review status: criteria provided, single submitter. Criteria: Invitae Variant Classification Sherloc (09022015). Collection method: clinical testing. Allele origin: germline.
Comment: This variant has not been reported in the literature in individuals affected with AGBL5-related conditions. This variant is not present in population databases (gnomAD no frequency). This sequence change falls in intron 11 of the AGBL5 gene. It does not directly change the encoded amino acid sequence of the AGBL5 protein. It affects a nucleotide within the consensus splice site. ClinVar contains an entry for this variant (Variation ID: 1045398). In summary, the available evidence is currently insufficient to determine the role of this variant in disease. Therefore, it has been classified as a Variant of Uncertain Significance. Variants that disrupt the consensus splice site are a relatively common cause of aberrant splicing (PMID: 17576681, 9536098). Algorithms developed to predict the effect of sequence changes on RNA splicing suggest that this variant may disrupt the consensus splice site.

Blueprint Genetics
Classification: Uncertain significance. Last evaluated: 2019-05-10. Review status: criteria provided, single submitter. Criteria: ACMG Guidelines, 2015. Collection method: clinical testing. Allele origin: germline.

Literature cited by the submitters: PubMed 17576681 (cited by Labcorp Genetics (formerly Invitae), Labcorp); PubMed 9536098 (cited by Labcorp Genetics (formerly Invitae), Labcorp).

NM_021831.6(AGBL5):c.2090-2dup

Gene: AGBL5 (AGBL carboxypeptidase 5; plus strand). Cytogenetic location: 2p23.3.
Variant type: Duplication.
Coding change: c.2090-2dup on transcript NM_021831.6 (MANE Select); the canonical splice acceptor site of the intron before coding-DNA position 2090, one base duplicated (A; older notation c.2090-2dupA).
Molecular consequence: splice acceptor variant.
Genome position (GRCh38, 1-based): chr2:27,067,492, A duplicated. VCF-style (leftmost placement, unchanged base first): chr2-27067491-C-CA. GRCh37 (hg19) VCF-style: chr2-27290359-C-CA.
Identifiers: ClinVar variation 1045398 (VCV001045398.8), dbSNP rs1572835267, ClinGen allele CA916497043.